The following is an entry in ClinVar:

ClinVar aggregate classification (germline): Uncertain significance. Review status: criteria provided, multiple submitters, no conflicts (2 of 4 stars). 4 submissions from 4 submitters: Uncertain significance (4). Last evaluated 2024-05-07.

Conditions:
Inborn genetic diseases. Identifiers: MedGen C0950123, MeSH D030342.
3M syndrome 2. Also called: 3-M Syndrome, OBSL1-Related; THREE M SYNDROME 2. Identifiers: Orphanet 2616, MedGen C2752041, MONDO:0013039, OMIM 612921.

Allele frequency attached by ClinVar (database versions not stated): ExAC 0.00001; gnomAD exomes 0.00002 and 0.00005; gnomAD 0.00003 and 0.00004; TOPMed 0.00005.
gnomAD v4.1: 82 of 1,613,528 alleles (0.0051%); highest among the groups gnomAD compares: Non-Finnish European, 0.0059%; no homozygotes.

Submissions (4):

Blueprint Genetics
Classification: Uncertain significance. Last evaluated: 2024-05-07. Review status: criteria provided, single submitter. Criteria: ACMG Guidelines, 2015. Collection method: clinical testing. Allele origin: germline.

Labcorp Genetics (formerly Invitae), Labcorp
Classification: Uncertain significance. Last evaluated: 2024-01-25. Review status: criteria provided, single submitter. Criteria: Invitae Variant Classification Sherloc (09022015). Collection method: clinical testing. Allele origin: germline.
Comment: This sequence change replaces tryptophan, which is neutral and slightly polar, with glycine, which is neutral and non-polar, at codon 931 of the OBSL1 protein (p.Trp931Gly). This variant is present in population databases (rs778567613, gnomAD 0.006%). This variant has not been reported in the literature in individuals affected with OBSL1-related conditions. ClinVar contains an entry for this variant (Variation ID: 897725). An algorithm developed to predict the effect of missense changes on protein structure and function (PolyPhen-2) suggests that this variant is likely to be disruptive. In summary, the available evidence is currently insufficient to determine the role of this variant in disease. Therefore, it has been classified as a Variant of Uncertain Significance.

Ambry Genetics
Classification: Uncertain significance for Inborn genetic diseases. Last evaluated: 2022-10-12. Review status: criteria provided, single submitter. Criteria: Ambry Variant Classification Scheme 2023. Collection method: clinical testing. Allele origin: germline.

Illumina Laboratory Services, Illumina
Classification: Uncertain significance for 3M syndrome 2. Last evaluated: 2018-01-13. Review status: criteria provided, single submitter. Criteria: ICSL Variant Classification Criteria 13 December 2019. Collection method: clinical testing. Allele origin: germline.

NM_015311.3(OBSL1):c.2791T>G (p.Trp931Gly)

Gene: OBSL1 (obscurin like cytoskeletal adaptor 1; minus strand). Cytogenetic location: 2q35.
Variant type: single nucleotide variant.
Coding change: c.2791T>G on transcript NM_015311.3 (MANE Select); coding-DNA position 2791, T replaced by G.
Protein change: p.Trp931Gly; replaces tryptophan 931 with glycine.
Molecular consequence: missense variant.
Genome position (GRCh38, 1-based): chr2:219,562,564, A>C on the plus strand (T>G on the coding strand, the complement: OBSL1 is on the minus strand). VCF-style: chr2-219562564-A-C. GRCh37 (hg19) VCF-style: chr2-220427286-A-C.
Other names: c.2791T>G, p.Trp931Gly (NM_001173408.2, NM_001173431.2); short protein forms W931G.
Identifiers: ClinVar variation 897725 (VCV000897725.13), dbSNP rs778567613, ClinGen allele CA2131091.